The following is an entry in ClinVar:

NM_001267550.2(TTN):c.82609G>T (p.Gly27537Cys)

Genes: TTN (titin; minus strand), TTN-AS1 (TTN antisense RNA 1; plus strand). Cytogenetic location: 2q31.2.
Variant type: single nucleotide variant.
Coding change: c.82609G>T on transcript NM_001267550.2 (MANE Select); coding-DNA position 82609, G replaced by T.
Protein change: p.Gly27537Cys; replaces glycine 27537 with cysteine.
Molecular consequence: missense variant.
Genome position (GRCh38, 1-based): chr2:178,563,523, C>A on the plus strand (G>T on the coding strand, the complement: TTN is on the minus strand). VCF-style: chr2-178563523-C-A. GRCh37 (hg19) VCF-style: chr2-179428250-C-A.
Other names: c.77686G>T, p.Gly25896Cys (NM_001256850.1); c.55414G>T, p.Gly18472Cys (NM_003319.4); c.74905G>T, p.Gly24969Cys (NM_133378.4); c.55789G>T, p.Gly18597Cys (NM_133432.3); c.55990G>T, p.Gly18664Cys (NM_133437.4); short protein forms G24969C, G27537C, G18597C, G18664C, G25896C, G18472C.
Identifiers: ClinVar variation 191877 (VCV000191877.1), dbSNP rs786205375, ClinGen allele CA237764.

ClinVar aggregate classification (germline): Uncertain significance (1 of 4 stars; one submission).

Submission:

Biesecker Lab/Clinical Genomics Section, National Institutes of Health
Classification: Uncertain significance. Last evaluated: 2013-06-24. Review status: criteria provided, single submitter. Criteria: Ng et al. (Circ Cardiovasc Genet. 2013). Collection method: research. Allele origin: unknown. Observed: 1 variant allele. Study: ClinSeq.
Comment: The study set was not selected for affection status in relation to any cancer. Pathogenicity categories were based on literature curation. See Pubmed ID:23861362 for details.

Medical sequencing